The following is an entry in ClinVar:

NM_000143.4(FH):c.528T>A (p.His176Gln)

Gene: FH (fumarate hydratase; minus strand). Cytogenetic location: 1q43.
Variant type: single nucleotide variant.
Coding change: c.528T>A on transcript NM_000143.4 (MANE Select); coding-DNA position 528, T replaced by A.
Protein change: p.His176Gln; replaces histidine 176 with glutamine.
Molecular consequence: missense variant.
Genome position (GRCh38, 1-based): chr1:241,511,994, A>T on the plus strand (T>A on the coding strand, the complement: FH is on the minus strand). VCF-style: chr1-241511994-A-T. GRCh37 (hg19) VCF-style: chr1-241675294-A-T.
Other names: short protein forms H176Q.
Identifiers: ClinVar variation 4798889 (VCV004798889.1).

ClinVar aggregate classification (germline): Uncertain significance (1 of 4 stars; one submission).

Submission:

Labcorp Genetics (formerly Invitae), Labcorp
Classification: Uncertain significance. Last evaluated: 2025-03-18. Review status: criteria provided, single submitter. Criteria: Invitae Variant Classification Sherloc (09022015). Collection method: clinical testing. Allele origin: germline.
Comment: This sequence change replaces histidine, which is basic and polar, with glutamine, which is neutral and polar, at codon 176 of the FH protein (p.His176Gln). This variant is not present in population databases (gnomAD no frequency). This variant has not been reported in the literature in individuals affected with FH-related conditions. Invitae Evidence Modeling of protein sequence and biophysical properties (such as structural, functional, and spatial information, amino acid conservation, physicochemical variation, residue mobility, and thermodynamic stability) indicates that this missense variant is expected to disrupt FH protein function with a positive predictive value of 95%. In summary, the available evidence is currently insufficient to determine the role of this variant in disease. Therefore, it has been classified as a Variant of Uncertain Significance.